The following is an entry in ClinVar:

ClinVar aggregate classification (germline): Pathogenic (1 of 4 stars; one submission).

Conditions:
Multiple acyl-CoA dehydrogenase deficiency (MADD). Also called: ETHYLMALONIC-ADIPICACIDURIA; GA II; Glutaric acidemia type II; GA 2; Glutaric Acidemia type 2; Glutaric aciduria, type 2. Identifiers: Orphanet 26791, MedGen C0268596, MONDO:0009282, OMIM 231680.

Submission:

Labcorp Genetics (formerly Invitae), Labcorp
Classification: Pathogenic for Multiple acyl-CoA dehydrogenase deficiency. Last evaluated: 2021-07-13. Review status: criteria provided, single submitter. Criteria: Invitae Variant Classification Sherloc (09022015). Collection method: clinical testing. Allele origin: germline.
Comment: This sequence change creates a premature translational stop signal (p.His488Glnfs*4) in the ETFDH gene. It is expected to result in an absent or disrupted protein product. Loss-of-function variants in ETFDH are known to be pathogenic (PMID: 16510302, 23785301). This variant is not present in population databases (ExAC no frequency). This variant has not been reported in the literature in individuals affected with ETFDH-related conditions. For these reasons, this variant has been classified as Pathogenic.

Literature cited by the submitters: PubMed 16510302; PubMed 23785301.

NM_004453.4(ETFDH):c.1464_1465del (p.His488fs)

Gene: ETFDH (electron transfer flavoprotein dehydrogenase; plus strand). Cytogenetic location: 4q32.1.
Variant type: Deletion.
Coding change: c.1464_1465del on transcript NM_004453.4 (MANE Select); coding-DNA positions 1464 to 1465, 2 bases deleted (TA; older notation c.1464_1465delTA).
Protein change: p.His488fs; shifts the reading frame from histidine 488.
Molecular consequence: frameshift variant.
Genome position (GRCh38, 1-based): chr4:158,706,367-158,706,368, TA deleted; deleting any 2 consecutive bases within chr4:158,706,366-158,706,368 gives the same sequence; the c. name uses the placement nearest the transcript's 3' end. VCF-style (leftmost placement, unchanged base first): chr4-158706365-CAT-C. GRCh37 (hg19) VCF-style: chr4-159627517-CAT-C.
Other names: c.1323_1324del, p.His441fs (NM_001281737.2); c.1281_1282del, p.His427fs (NM_001281738.1); short protein forms H427fs, H488fs, H441fs.
Identifiers: ClinVar variation 1451843 (VCV001451843.6), dbSNP rs2126315444, ClinGen allele CA2573138098.